The following is an entry in ClinVar:

NM_006929.5(SKIC2):c.3672C>T (p.Ala1224=)

Gene: SKIC2 (SKI2 subunit of superkiller complex; plus strand). Cytogenetic location: 6p21.33.
Variant type: single nucleotide variant.
Coding change: c.3672C>T on transcript NM_006929.5 (MANE Select); coding-DNA position 3672, C replaced by T.
Protein change: p.Ala1224=; no amino-acid change (alanine 1224 retained).
Molecular consequence: synonymous variant.
Genome position (GRCh38, 1-based): chr6:31,969,646, C>T. VCF-style: chr6-31969646-C-T. GRCh37 (hg19) VCF-style: chr6-31937423-C-T.
Other names: c.3672C>T (NM_006929.4).
Identifiers: ClinVar variation 1626548 (VCV001626548.10), dbSNP rs769349127, ClinGen allele CA3730109.

ClinVar aggregate classification (germline): Likely benign. Review status: criteria provided, single submitter (1 of 4 stars). 2 submissions from 2 submitters: Likely benign (1). 1 of the submissions does not count toward it. Last evaluated 2026-01-19.

Conditions:
SKIC2-related disorder. Also called: SKIC2-related condition.

Allele frequency attached by ClinVar (database versions not stated): ExAC 0.00002; gnomAD exomes 0.00002; gnomAD 0.00003; TOPMed 0.00005.
gnomAD v4.1: 108 of 1,611,548 alleles (0.0067%); highest among the groups gnomAD compares: Middle Eastern, 0.049%; no homozygotes.

Submissions (2):

Labcorp Genetics (formerly Invitae), Labcorp
Classification: Likely benign. Last evaluated: 2026-01-19. Review status: criteria provided, single submitter. Criteria: Invitae Variant Classification Sherloc (09022015). Collection method: clinical testing. Allele origin: germline.

PreventionGenetics, part of Exact Sciences
Classification: Likely benign for SKIC2-related condition. Last evaluated: 2023-04-04. Review status: no assertion criteria provided. Collection method: clinical testing. Allele origin: germline. Not counted in ClinVar's aggregate classification.
Comment: This variant is classified as likely benign based on ACMG/AMP sequence variant interpretation guidelines (Richards et al. 2015 PMID: 25741868, with internal and published modifications).